The following is an entry in ClinVar:

NM_198253.3(TERT):c.964C>A (p.Pro322Thr)

Gene: TERT (telomerase reverse transcriptase; minus strand). Cytogenetic location: 5p15.33.
Variant type: single nucleotide variant.
Coding change: c.964C>A on transcript NM_198253.3 (MANE Select); coding-DNA position 964, C replaced by A.
Protein change: p.Pro322Thr; replaces proline 322 with threonine.
Molecular consequence: missense variant. On other transcripts: non-coding transcript variant (2).
Genome position (GRCh38, 1-based): chr5:1,293,922, G>T on the plus strand (C>A on the coding strand, the complement: TERT is on the minus strand). VCF-style: chr5-1293922-G-T. GRCh37 (hg19) VCF-style: chr5-1294037-G-T.
Other names: c.964C>A, p.Pro322Thr (NM_001193376.3, NM_003219.1); short protein forms P322T.
Identifiers: ClinVar variation 2924804 (VCV002924804.4), dbSNP rs1751177770, ClinGen allele CA359056064.

ClinVar aggregate classification (germline): Uncertain significance. Review status: criteria provided, multiple submitters, no conflicts (2 of 4 stars). 2 submissions from 2 submitters: Uncertain significance (2). Last evaluated 2024-12-13.

Conditions:
Dyskeratosis congenita, autosomal dominant 2. Identifiers: MedGen C3151443, MONDO:0013521, OMIM 613989.
Idiopathic Pulmonary Fibrosis. Also called: Idiopathic fibrosing alveolitis, chronic form; idiopathic fibrosing alveolitis. Identifiers: Orphanet 2032, MedGen C1800706, MeSH D054990, MONDO:0800504.
Dyskeratosis congenita. Identifiers: Orphanet 1775, MedGen C0265965, MONDO:0015780.

Submissions (2):

Ambry Genetics
Classification: Uncertain significance for Dyskeratosis congenita. Last evaluated: 2024-12-13. Review status: criteria provided, single submitter. Criteria: Ambry Variant Classification Scheme 2023. Collection method: clinical testing. Allele origin: germline.
Comment: The p.P322T variant (also known as c.964C>A), located in coding exon 2 of the TERT gene, results from a C to A substitution at nucleotide position 964. The proline at codon 322 is replaced by threonine, an amino acid with highly similar properties. This amino acid position is conserved. In addition, this alteration is predicted to be tolerated by in silico analysis. Based on the available evidence, the clinical significance of this variant remains unclear.

Labcorp Genetics (formerly Invitae), Labcorp
Classification: Uncertain significance for Dyskeratosis congenita, autosomal dominant 2; Idiopathic Pulmonary Fibrosis. Last evaluated: 2023-07-18. Review status: criteria provided, single submitter. Criteria: Invitae Variant Classification Sherloc (09022015). Collection method: clinical testing. Allele origin: germline.
Comment: In summary, the available evidence is currently insufficient to determine the role of this variant in disease. Therefore, it has been classified as a Variant of Uncertain Significance. Advanced modeling of protein sequence and biophysical properties (such as structural, functional, and spatial information, amino acid conservation, physicochemical variation, residue mobility, and thermodynamic stability) has been performed at Invitae for this missense variant, however the output from this modeling did not meet the statistical confidence thresholds required to predict the impact of this variant on TERT protein function. This variant has not been reported in the literature in individuals affected with TERT-related conditions. This variant is not present in population databases (gnomAD no frequency). This sequence change replaces proline, which is neutral and non-polar, with threonine, which is neutral and polar, at codon 322 of the TERT protein (p.Pro322Thr).